The following is an entry in ClinVar:

ClinVar aggregate classification (germline): Conflicting classifications of pathogenicity. Review status: criteria provided, conflicting classifications (1 of 4 stars). 4 submissions from 4 submitters: Uncertain significance (1); Likely benign (3). Last evaluated 2025-10-01.

Conditions:
Dilated cardiomyopathy 1W (CMD1W). Identifiers: Orphanet 154, MedGen C1969639, MONDO:0012667, OMIM 611407.

Allele frequency attached by ClinVar (database versions not stated): gnomAD 0.00002; TOPMed 0.00003; ExAC 0.00004; gnomAD exomes 0.00004 and 0.00005; ESP Exome Variant Server 0.00008.
gnomAD v4.1: 74 of 1,613,960 alleles (0.0046%); highest among the groups gnomAD compares: South Asian, 0.016%; no homozygotes.

Submissions (4):

Labcorp Genetics (formerly Invitae), Labcorp
Classification: Likely benign for Dilated cardiomyopathy 1W. Last evaluated: 2025-10-01. Review status: criteria provided, single submitter. Criteria: Invitae Variant Classification Sherloc (09022015). Collection method: clinical testing. Allele origin: germline.

Blueprint Genetics
Classification: Likely benign. Last evaluated: 2023-09-11. Review status: criteria provided, single submitter. Criteria: ACMG Guidelines, 2015. Collection method: clinical testing. Allele origin: germline.

GeneDx
Classification: Likely benign. Last evaluated: 2016-04-19. Review status: criteria provided, single submitter. Criteria: GeneDx Variant Classification (06012015). Collection method: clinical testing. Allele origin: germline. Affected: yes.
Comment: This variant is considered likely benign or benign based on one or more of the following criteria: it is a conservative change, it occurs at a poorly conserved position in the protein, it is predicted to be benign by multiple in silico algorithms, and/or has population frequency not consistent with disease.

Laboratory for Molecular Medicine, Mass General Brigham Personalized Medicine
Classification: Uncertain significance. Last evaluated: 2012-04-19. Review status: criteria provided, single submitter. Criteria: LMM Criteria. Collection method: clinical testing. Allele origin: germline. Observed: 1 variant allele.
Comment: Variant classified as Uncertain Significance - Favor Benign. The 2746-14C>T vari ant (VCL) has not been reported in the literature nor previously identified by o ur laboratory. This variant is located in the 3' splice region. Computational to ols do not predict altered splicing; however, this information is not predictive enough to rule out pathogenicity. In addition, this variant has been identified in 0.03% (2/7020) of European American chromosomes from a broad population by t he NHLBI Exome Sequencing Project, though th is frequency is too low to confidently rule out a disease causing role. In summa ry, although this data supports that the 2746-14C>T variant may be benign, addit ional studies are needed to fully assess its clinical significance.

NM_014000.3(VCL):c.2746-14C>T

Gene: VCL (vinculin; plus strand). Cytogenetic location: 10q22.2.
Variant type: single nucleotide variant.
Coding change: c.2746-14C>T on transcript NM_014000.3 (MANE Select); 14 bases into the intron before coding-DNA position 2746, C replaced by T.
Molecular consequence: intron variant.
Genome position (GRCh38, 1-based): chr10:74,111,895, C>T. VCF-style: chr10-74111895-C-T. GRCh37 (hg19) VCF-style: chr10-75871653-C-T.
Other names: c.2746-2289C>T (NM_003373.4).
Identifiers: ClinVar variation 45597 (VCV000045597.15), dbSNP rs367598954, ClinGen allele CA136748.